The following is an entry in ClinVar:

NM_016180.5(SLC45A2):c.139_142dup (p.Cys48fs)

Gene: SLC45A2 (solute carrier family 45 member 2; minus strand). Cytogenetic location: 5p13.2.
Variant type: Duplication.
Coding change: c.139_142dup on transcript NM_016180.5 (MANE Select); coding-DNA positions 139 to 142, 4 bases duplicated (TTCT; older notation c.139_142dupTTCT).
Protein change: p.Cys48fs; shifts the reading frame from cysteine 48.
Molecular consequence: frameshift variant.
Genome position (GRCh38, 1-based): chr5:33,984,442-33,984,445, AGAA duplicated on the plus strand (TTCT on the coding strand, the reverse complement: SLC45A2 is on the minus strand). VCF-style (leftmost placement, unchanged base first): chr5-33984441-C-CAGAA. GRCh37 (hg19) VCF-style: chr5-33984546-C-CAGAA.
Other names: c.139_142dup, p.Cys48fs (NM_001012509.4, NM_001297417.4); short protein forms C48fs.
Identifiers: ClinVar variation 3695190 (VCV003695190.2).
Genomic context (GRCh38, chr5:33,984,441, plus strand): 5'-CTGCTGGGCAGACCTACGCTGAGCAGGACTGGGGTCACATACGCTGCCTCCACCGCGTAG[C>CAGAA]AGAACTCTCTTCCGAACATGGCCATGCTGTGCATGATGAGTCTGCTGGTGGGTCTTTTAG-3'

ClinVar aggregate classification (germline): Pathogenic (1 of 4 stars; one submission).

Submission:

Labcorp Genetics (formerly Invitae), Labcorp
Classification: Pathogenic. Last evaluated: 2024-02-12. Review status: criteria provided, single submitter. Criteria: Invitae Variant Classification Sherloc (09022015). Collection method: clinical testing. Allele origin: germline.
Comment: This sequence change creates a premature translational stop signal (p.Cys48Phefs*87) in the SLC45A2 gene. It is expected to result in an absent or disrupted protein product. Loss-of-function variants in SLC45A2 are known to be pathogenic (PMID: 21458243, 26573111). This variant is not present in population databases (gnomAD no frequency). This variant has not been reported in the literature in individuals affected with SLC45A2-related conditions. For these reasons, this variant has been classified as Pathogenic.

Literature cited by the submitters: PubMed 21458243; PubMed 26573111.